The following is an entry in ClinVar:

ClinVar aggregate classification (germline): Benign. Review status: criteria provided, multiple submitters, no conflicts (2 of 4 stars). 6 submissions from 6 submitters: Benign (5). 1 of the submissions does not count toward it. Last evaluated 2026-02-04.

Conditions:
Tay-Sachs disease, variant AB. Also called: Gm2-gangliosidosis, ab variant; GM2 Activator Deficiency. Identifiers: Orphanet 309246, MedGen C0268275, MONDO:0010099, OMIM 272750.

Allele frequency attached by ClinVar (database versions not stated): gnomAD 0.62259 and 0.62844; 1000 Genomes Project 30x 0.66334; 1000 Genomes Project 0.66394; ExAC 0.66450; TOPMed 0.63602; ESP Exome Variant Server 0.60864; gnomAD exomes 0.63411 and 0.66696.
gnomAD v4.1: 1,020,737 of 1,609,530 alleles (63%); highest among the groups gnomAD compares: South Asian, 77%; 326,470 homozygotes.

Submissions (6):

Labcorp Genetics (formerly Invitae), Labcorp
Classification: Benign for Tay-Sachs disease, variant AB. Last evaluated: 2026-02-04. Review status: criteria provided, single submitter. Criteria: Invitae Variant Classification Sherloc (09022015). Collection method: clinical testing. Allele origin: germline.

Genome-Nilou Lab
Classification: Benign for Tay-Sachs disease, variant AB. Last evaluated: 2021-08-10. Review status: criteria provided, single submitter. Criteria: ACMG Guidelines, 2015. Collection method: clinical testing. Allele origin: germline. Affected: no.

Illumina Laboratory Services, Illumina
Classification: Benign for Tay-Sachs disease, variant AB. Last evaluated: 2018-01-12. Review status: criteria provided, single submitter. Criteria: ICSL Variant Classification Criteria 13 December 2019. Collection method: clinical testing. Allele origin: germline.
Comment: This variant was observed in the ICSL laboratory as part of a predisposition screen in an ostensibly healthy population. It had not been previously curated by ICSL or reported in the Human Gene Mutation Database (HGMD: prior to June 1st, 2018), and was therefore a candidate for classification through an automated scoring system. Utilizing variant allele frequency, disease prevalence and penetrance estimates, and inheritance mode, an automated score was calculated to assess if this variant is too frequent to cause the disease. Based on the score and internal cut-off values, a variant classified as benign is not then subjected to further curation. The score for this variant resulted in a classification of benign for this disease.

Eurofins Ntd Llc (ga)
Classification: Benign. Last evaluated: 2014-02-04. Review status: criteria provided, single submitter. Criteria: EGL Classification Definitions 2015. Collection method: clinical testing. Allele origin: germline. Observed: 1 variant allele, 1 homozygote.

PreventionGenetics, part of Exact Sciences
Classification: Benign. Review status: criteria provided, single submitter. Criteria: ACMG Guidelines, 2015. Collection method: clinical testing. Allele origin: germline.

Mayo Clinic Laboratories, Mayo Clinic
Classification: Benign. Last evaluated: 2015-10-20. Review status: no assertion criteria provided. Collection method: clinical testing. Allele origin: unknown. Not counted in ClinVar's aggregate classification.

NM_000405.5(GM2A):c.175A>G (p.Ile59Val)

Gene: GM2A (ganglioside GM2 activator; plus strand). Cytogenetic location: 5q33.1.
Variant type: single nucleotide variant.
Coding change: c.175A>G on transcript NM_000405.5 (MANE Select); coding-DNA position 175, A replaced by G.
Protein change: p.Ile59Val; replaces isoleucine 59 with valine.
Molecular consequence: missense variant.
Genome position (GRCh38, 1-based): chr5:151,259,848, A>G. VCF-style: chr5-151259848-A-G. GRCh37 (hg19) VCF-style: chr5-150639409-A-G.
Other names: c.175A>G, p.Ile59Val (NM_001167607.3); short protein forms I59V.
Identifiers: ClinVar variation 167150 (VCV000167150.23), dbSNP rs153477, ClinGen allele CA180085.